The following is an entry in ClinVar:

NM_025074.7(FRAS1):c.7219A>T (p.Thr2407Ser)

Gene: FRAS1 (Fraser extracellular matrix complex subunit 1; plus strand). Cytogenetic location: 4q21.21.
Variant type: single nucleotide variant.
Coding change: c.7219A>T on transcript NM_025074.7 (MANE Select); coding-DNA position 7219, A replaced by T.
Protein change: p.Thr2407Ser; replaces threonine 2407 with serine.
Molecular consequence: missense variant.
Genome position (GRCh38, 1-based): chr4:78,466,397, A>T. VCF-style: chr4-78466397-A-T. GRCh37 (hg19) VCF-style: chr4-79387551-A-T.
Other names: short protein forms T2407S.
Identifiers: ClinVar variation 349750 (VCV000349750.7), dbSNP rs886059634, ClinGen allele CA10619267.

ClinVar aggregate classification (germline): Uncertain significance. Review status: criteria provided, multiple submitters, no conflicts (2 of 4 stars). 2 submissions from 2 submitters: Uncertain significance (2). Last evaluated 2025-12-19.

Conditions:
Fraser syndrome 1 (FRASRS1). Also called: CRYPTOPHTHALMOS WITH OTHER MALFORMATIONS. Identifiers: Orphanet 2052, MedGen C4551480, MONDO:0054737, OMIM 219000.

Allele frequency attached by ClinVar (database versions not stated): TOPMed 0.00001.
gnomAD v4.1: 3 of 1,613,930 alleles (0.00019%); highest among the groups gnomAD compares: Non-Finnish European, 0.00017%; no homozygotes.

Submissions (2):

Labcorp Genetics (formerly Invitae), Labcorp
Classification: Uncertain significance. Last evaluated: 2025-12-19. Review status: criteria provided, single submitter. Criteria: Invitae Variant Classification Sherloc (09022015). Collection method: clinical testing. Allele origin: germline.
Comment: This sequence change replaces threonine, which is neutral and polar, with serine, which is neutral and polar, at codon 2407 of the FRAS1 protein (p.Thr2407Ser). This variant is present in population databases (no rsID available, gnomAD 0.004%). This variant has not been reported in the literature in individuals affected with FRAS1-related conditions. ClinVar contains an entry for this variant (Variation ID: 349750). Invitae Evidence Modeling of protein sequence and biophysical properties (such as structural, functional, and spatial information, amino acid conservation, physicochemical variation, residue mobility, and thermodynamic stability) indicates that this missense variant is not expected to disrupt FRAS1 protein function with a negative predictive value of 80%. In summary, the available evidence is currently insufficient to determine the role of this variant in disease. Therefore, it has been classified as a Variant of Uncertain Significance.

Illumina Laboratory Services, Illumina
Classification: Uncertain significance for Fraser syndrome 1. Last evaluated: 2018-01-13. Review status: criteria provided, single submitter. Criteria: ICSL Variant Classification Criteria 13 December 2019. Collection method: clinical testing. Allele origin: germline.